The following is an entry in ClinVar:

ClinVar aggregate classification (germline): Uncertain significance. Review status: criteria provided, multiple submitters, no conflicts (2 of 4 stars). 4 submissions from 4 submitters: Uncertain significance (4). Last evaluated 2025-07-22.

Conditions:
Familial colorectal cancer type X. Identifiers: Orphanet 440437, MedGen C3896578, MONDO:0018604.
Hereditary cancer-predisposing syndrome. Also called: Tumor predisposition; Hereditary Cancer Syndrome; Neoplastic Syndromes, Hereditary; Hereditary neoplastic syndrome. Identifiers: Orphanet 140162, MedGen C0027672, MeSH D009386, MONDO:0015356.
Familial adenomatous polyposis 2. Also called: MYH-associated polyposis; FAP type 2; ADENOMAS, MULTIPLE COLORECTAL, AUTOSOMAL RECESSIVE; MUTYH Polyposis; MUTYH-associated polyposis; MUTYH-related attenuated familial adenomatous polyposis. Identifiers: Orphanet 220460, Orphanet 247798, MedGen C3272841, MONDO:0012041, OMIM 608456.

Allele frequency attached by ClinVar (database versions not stated): gnomAD exomes below 0.00001; ExAC 0.00001.
gnomAD v4.1: 1 of 1,614,200 alleles (0.000062%); highest among the groups gnomAD compares: Non-Finnish European, 0.000085%; no homozygotes.

Submissions (4):

Labcorp Genetics (formerly Invitae), Labcorp
Classification: Uncertain significance for Familial adenomatous polyposis 2. Last evaluated: 2025-07-22. Review status: criteria provided, single submitter. Criteria: Invitae Variant Classification Sherloc (09022015). Collection method: clinical testing. Allele origin: germline.
Comment: This sequence change replaces proline, which is neutral and non-polar, with glutamine, which is neutral and polar, at codon 292 of the MUTYH protein (p.Pro292Gln). This variant is present in population databases (rs780500491, gnomAD 0.0009%). This variant has not been reported in the literature in individuals affected with MUTYH-related conditions. ClinVar contains an entry for this variant (Variation ID: 232854). An algorithm developed to predict the effect of missense changes on protein structure and function (PolyPhen-2) suggests that this variant is likely to be disruptive. In summary, the available evidence is currently insufficient to determine the role of this variant in disease. Therefore, it has been classified as a Variant of Uncertain Significance.

Ambry Genetics
Classification: Uncertain significance for Hereditary cancer-predisposing syndrome. Last evaluated: 2024-04-26. Review status: criteria provided, single submitter. Criteria: Ambry Variant Classification Scheme 2023. Collection method: clinical testing. Allele origin: germline.
Comment: The p.P292Q variant (also known as c.875C>A), located in coding exon 10 of the MUTYH gene, results from a C to A substitution at nucleotide position 875. The proline at codon 292 is replaced by glutamine, an amino acid with similar properties. This amino acid position is highly conserved in available vertebrate species. In addition, this alteration is predicted to be deleterious by in silico analysis. Based on the available evidence, the clinical significance of this variant remains unclear.

Baylor Genetics
Classification: Uncertain significance for Familial adenomatous polyposis 2. Last evaluated: 2023-09-15. Review status: criteria provided, single submitter. Criteria: ACMG Guidelines, 2015. Collection method: clinical testing. Allele origin: unknown.

Department of Pathology and Laboratory Medicine, Sinai Health System
Classification: Uncertain significance for Familial colorectal cancer type X. Last evaluated: 2023-06-07. Review status: criteria provided, single submitter. Criteria: ACMG Guidelines, 2015. Collection method: clinical testing. Allele origin: germline. Affected: yes.

NM_001048174.2(MUTYH):c.791C>A (p.Pro264Gln)

Gene: MUTYH (mutY DNA glycosylase; minus strand). Cytogenetic location: 1p34.1.
Variant type: single nucleotide variant.
Coding change: c.791C>A on transcript NM_001048174.2 (MANE Select); coding-DNA position 791, C replaced by A.
Protein change: p.Pro264Gln; replaces proline 264 with glutamine.
Molecular consequence: missense variant. On other transcripts: non-coding transcript variant (2).
Genome position (GRCh38, 1-based): chr1:45,332,224, G>T on the plus strand (C>A on the coding strand, the complement: MUTYH is on the minus strand). VCF-style: chr1-45332224-G-T. GRCh37 (hg19) VCF-style: chr1-45797896-G-T.
Other names: c.791C>A, p.Pro264Gln (NM_001048171.2, NM_001048173.2, NM_001293195.2); c.794C>A, p.Pro265Gln (NM_001048172.2); c.875C>A, p.Pro292Gln (NM_001128425.2); c.836C>A, p.Pro279Gln (NM_001293190.2); c.824C>A, p.Pro275Gln (NM_001293191.2); c.515C>A, p.Pro172Gln (NM_001293192.2, NM_001293196.2); c.446C>A, p.Pro149Gln (NM_001350650.2, NM_001350651.2); c.866C>A, p.Pro289Gln (NM_012222.3); short protein forms P292Q, P264Q, P265Q, P275Q, P172Q, P289Q, P149Q, P279Q.
Identifiers: ClinVar variation 232854 (VCV000232854.19), dbSNP rs780500491, ClinGen allele CA059437.